The following is an entry in ClinVar:

ClinVar aggregate classification (germline): Uncertain significance (1 of 4 stars; one submission).

Conditions:
Holoprosencephaly 3 (HPE3). Identifiers: Orphanet 2162, MedGen C1840529, MONDO:0007733, OMIM 142945.

Submission:

Labcorp Genetics (formerly Invitae), Labcorp
Classification: Uncertain significance for Holoprosencephaly 3. Last evaluated: 2025-09-09. Review status: criteria provided, single submitter. Criteria: Invitae Variant Classification Sherloc (09022015). Collection method: clinical testing. Allele origin: germline.
Comment: This sequence change replaces alanine, which is neutral and non-polar, with valine, which is neutral and non-polar, at codon 421 of the SHH protein (p.Ala421Val). This variant is not present in population databases (gnomAD no frequency). This variant has not been reported in the literature in individuals affected with SHH-related conditions. An algorithm developed to predict the effect of missense changes on protein structure and function (PolyPhen-2) suggests that this variant is likely to be tolerated. In summary, the available evidence is currently insufficient to determine the role of this variant in disease. Therefore, it has been classified as a Variant of Uncertain Significance.

NM_000193.4(SHH):c.1262C>T (p.Ala421Val)

Gene: SHH (sonic hedgehog signaling molecule; minus strand). Cytogenetic location: 7q36.3.
Variant type: single nucleotide variant.
Coding change: c.1262C>T on transcript NM_000193.4 (MANE Select); coding-DNA position 1262, C replaced by T.
Protein change: p.Ala421Val; replaces alanine 421 with valine.
Molecular consequence: missense variant. On other transcripts: intron variant (1).
Genome position (GRCh38, 1-based): chr7:155,803,027, G>A on the plus strand (C>T on the coding strand, the complement: SHH is on the minus strand). VCF-style: chr7-155803027-G-A. GRCh37 (hg19) VCF-style: chr7-155595721-G-A.
Other names: c.302-2782C>T (NM_001310462.2); short protein forms A421V.
Identifiers: ClinVar variation 4806383 (VCV004806383.1).